The following is an entry in ClinVar:

NM_000234.3(LIG1):c.1418G>A (p.Gly473Asp)

Gene: LIG1 (DNA ligase 1; minus strand). Cytogenetic location: 19q13.33.
Variant type: single nucleotide variant.
Coding change: c.1418G>A on transcript NM_000234.3 (MANE Select); coding-DNA position 1418, G replaced by A.
Protein change: p.Gly473Asp; replaces glycine 473 with aspartic acid.
Molecular consequence: missense variant. On other transcripts: non-coding transcript variant (6).
Genome position (GRCh38, 1-based): chr19:48,136,039, C>T on the plus strand (G>A on the coding strand, the complement: LIG1 is on the minus strand). VCF-style: chr19-48136039-C-T. GRCh37 (hg19) VCF-style: chr19-48639296-C-T.
Other names: c.1325G>A, p.Gly442Asp (NM_001289063.2); c.1214G>A, p.Gly405Asp (NM_001289064.2); c.1415G>A, p.Gly472Asp (NM_001320970.2); c.1328G>A, p.Gly443Asp (NM_001320971.2); short protein forms G442D, G405D, G443D, G472D, G473D.
Identifiers: ClinVar variation 1935903 (VCV001935903.3), dbSNP rs533897830, ClinGen allele CA9546827.

ClinVar aggregate classification (germline): Uncertain significance (1 of 4 stars; one submission).

Allele frequency attached by ClinVar (database versions not stated): TOPMed below 0.00001; gnomAD 0.00002; ExAC 0.00029; 1000 Genomes Project 0.00040; 1000 Genomes Project 30x 0.00047.
gnomAD v4.1: 34 of 1,562,798 alleles (0.0022%); highest among the groups gnomAD compares: South Asian, 0.032%; no homozygotes.

Submission:

Labcorp Genetics (formerly Invitae), Labcorp
Classification: Uncertain significance. Last evaluated: 2024-02-17. Review status: criteria provided, single submitter. Criteria: Invitae Variant Classification Sherloc (09022015). Collection method: clinical testing. Allele origin: germline.
Comment: This sequence change replaces glycine, which is neutral and non-polar, with aspartic acid, which is acidic and polar, at codon 473 of the LIG1 protein (p.Gly473Asp). This variant is present in population databases (rs533897830, gnomAD 0.06%). This variant has not been reported in the literature in individuals affected with LIG1-related conditions. ClinVar contains an entry for this variant (Variation ID: 1935903). An algorithm developed to predict the effect of missense changes on protein structure and function (PolyPhen-2) suggests that this variant¬†is likely to be tolerated. In summary, the available evidence is currently insufficient to determine the role of this variant in disease. Therefore, it has been classified as a Variant of Uncertain Significance.